The following is an entry in ClinVar:

ClinVar aggregate classification (germline): Uncertain significance (1 of 4 stars; one submission).

Allele frequency attached by ClinVar (database versions not stated): TOPMed 0.00005; ExAC 0.00006; gnomAD 0.00006; ESP Exome Variant Server 0.00008; 1000 Genomes Project 30x 0.00016; 1000 Genomes Project 0.00020.

Submission:

Labcorp Genetics (formerly Invitae), Labcorp
Classification: Uncertain significance. Last evaluated: 2025-09-27. Review status: criteria provided, single submitter. Criteria: Invitae Variant Classification Sherloc (09022015). Collection method: clinical testing. Allele origin: germline.
Comment: This sequence change falls in intron 5 of the ANLN gene. It does not directly change the encoded amino acid sequence of the ANLN protein. It affects a nucleotide within the consensus splice site. This variant is present in population databases (rs200323306, gnomAD 0.01%). This variant has not been reported in the literature in individuals affected with ANLN-related conditions. ClinVar contains an entry for this variant (Variation ID: 2075514). Variants that disrupt the consensus splice site are a relatively common cause of aberrant splicing (PMID: 17576681, 9536098). Algorithms developed to predict the effect of sequence changes on RNA splicing suggest that this variant is not likely to affect RNA splicing. In summary, the available evidence is currently insufficient to determine the role of this variant in disease. Therefore, it has been classified as a Variant of Uncertain Significance.

Literature cited by the submitters: PubMed 17576681; PubMed 9536098.

NM_018685.5(ANLN):c.1096+5C>T

Gene: ANLN (anillin, actin binding protein; plus strand). Cytogenetic location: 7p14.2.
Variant type: single nucleotide variant.
Coding change: c.1096+5C>T on transcript NM_018685.5 (MANE Select); 5 bases into the intron after coding-DNA position 1096, C replaced by T.
Molecular consequence: intron variant.
Genome position (GRCh38, 1-based): chr7:36,407,961, C>T. VCF-style: chr7-36407961-C-T. GRCh37 (hg19) VCF-style: chr7-36447570-C-T.
Other names: c.1096+5C>T (NM_001284301.3, NM_001284302.3).
Identifiers: ClinVar variation 2075514 (VCV002075514.4), dbSNP rs200323306, ClinGen allele CA4219494.